The following is an entry in ClinVar:

ClinVar aggregate classification (germline): Uncertain significance (1 of 4 stars; one submission).

Conditions:
DICER1-related tumor predisposition. Also called: DICER1 syndrome; DICER1-related pleuropulmonary blastoma cancer predisposition syndrome. Identifiers: Orphanet 284343, MedGen C3839822, MONDO:0100216.

Submission:

Labcorp Genetics (formerly Invitae), Labcorp
Classification: Uncertain significance for DICER1-related tumor predisposition. Last evaluated: 2025-01-05. Review status: criteria provided, single submitter. Criteria: Invitae Variant Classification Sherloc (09022015). Collection method: clinical testing. Allele origin: germline.
Comment: This sequence change replaces alanine, which is neutral and non-polar, with threonine, which is neutral and polar, at codon 1686 of the DICER1 protein (p.Ala1686Thr). This variant is not present in population databases (gnomAD no frequency). This variant has not been reported in the literature in individuals affected with DICER1-related conditions. Invitae Evidence Modeling of protein sequence and biophysical properties (such as structural, functional, and spatial information, amino acid conservation, physicochemical variation, residue mobility, and thermodynamic stability) indicates that this missense variant is not expected to disrupt DICER1 protein function with a negative predictive value of 95%. In summary, the available evidence is currently insufficient to determine the role of this variant in disease. Therefore, it has been classified as a Variant of Uncertain Significance.

NM_177438.3(DICER1):c.5056G>A (p.Ala1686Thr)

Gene: DICER1 (dicer 1, ribonuclease III; minus strand). Cytogenetic location: 14q32.13.
Variant type: single nucleotide variant.
Coding change: c.5056G>A on transcript NM_177438.3 (MANE Select); coding-DNA position 5056, G replaced by A.
Protein change: p.Ala1686Thr; replaces alanine 1686 with threonine.
Molecular consequence: missense variant. On other transcripts: non-coding transcript variant (6).
Genome position (GRCh38, 1-based): chr14:95,095,864, C>T on the plus strand (G>A on the coding strand, the complement: DICER1 is on the minus strand). VCF-style: chr14-95095864-C-T. GRCh37 (hg19) VCF-style: chr14-95562201-C-T.
Other names: c.5056G>A, p.Ala1686Thr (NM_001195573.1, NM_001271282.3, NM_001291628.2 and 12 more transcripts); c.4774G>A, p.Ala1592Thr (NM_001395686.1); c.4651G>A, p.Ala1551Thr (NM_001395687.1, NM_001395688.1, NM_001395689.1 and 2 more transcripts); c.4489G>A, p.Ala1497Thr (NM_001395691.1); c.3373G>A, p.Ala1125Thr (NM_001395697.1); short protein forms A1551T, A1686T, A1592T, A1125T, A1497T.
Identifiers: ClinVar variation 3720157 (VCV003720157.2).